The following is an entry in ClinVar:

NM_000170.3(GLDC):c.2011G>C (p.Asp671His)

Gene: GLDC (glycine decarboxylase; minus strand). Cytogenetic location: 9p24.1.
Variant type: single nucleotide variant.
Coding change: c.2011G>C on transcript NM_000170.3 (MANE Select); coding-DNA position 2011, G replaced by C.
Protein change: p.Asp671His; replaces aspartic acid 671 with histidine.
Molecular consequence: missense variant.
Genome position (GRCh38, 1-based): chr9:6,558,600, C>G on the plus strand (G>C on the coding strand, the complement: GLDC is on the minus strand). VCF-style: chr9-6558600-C-G. GRCh37 (hg19) VCF-style: chr9-6558600-C-G.
Other names: short protein forms D671H.
Identifiers: ClinVar variation 1302678 (VCV001302678.7), dbSNP rs2129734998, ClinGen allele CA372881887.
Genomic context (GRCh38, chr9:6,558,600, plus strand): 5'-CTAAGGAGAAGACAAGTACCATGGCCTTGAGGTGAACTGCATCGATATTCCCATATTTAT[C>G]CACCTCCACAGGCTGAATCTTCATGCCTGCCATGTGGGCACTTGCTGGGTTGGTCCCATG-3'
Protein context (NP_000161.2, residues 661-681): AGMKIQPVEV[Asp671His]KYGNIDAVHL

ClinVar aggregate classification (germline): Uncertain significance. Review status: criteria provided, multiple submitters, no conflicts (2 of 4 stars). 2 submissions from 2 submitters: Uncertain significance (2). Last evaluated 2021-12-02.

Conditions:
Glycine encephalopathy. Also called: Non-ketotic hyperglycinemia; Nonketotic hyperglycinemia. Identifiers: Orphanet 407, MedGen C0751748, MONDO:0011612, HP:0008288.

Submissions (2):

Labcorp Genetics (formerly Invitae), Labcorp
Classification: Uncertain significance for Glycine encephalopathy. Last evaluated: 2021-12-02. Review status: criteria provided, single submitter. Criteria: Invitae Variant Classification Sherloc (09022015). Collection method: clinical testing. Allele origin: germline.
Comment: In summary, the available evidence is currently insufficient to determine the role of this variant in disease. Therefore, it has been classified as a Variant of Uncertain Significance. Advanced modeling of protein sequence and biophysical properties (such as structural, functional, and spatial information, amino acid conservation, physicochemical variation, residue mobility, and thermodynamic stability) performed at Invitae indicates that this missense variant is expected to disrupt GLDC protein function. ClinVar contains an entry for this variant (Variation ID: 1302678). This variant has not been reported in the literature in individuals affected with GLDC-related conditions. This variant is not present in population databases (gnomAD no frequency). This sequence change replaces aspartic acid, which is acidic and polar, with histidine, which is basic and polar, at codon 671 of the GLDC protein (p.Asp671His).

GeneDx
Classification: Uncertain significance. Last evaluated: 2019-03-14. Review status: criteria provided, single submitter. Criteria: GeneDx Variant Classification Process June 2021. Collection method: clinical testing. Allele origin: germline. Affected: yes.
Comment: Not observed in large population cohorts (Lek et al., 2016); In silico analysis, which includes protein predictors and evolutionary conservation, supports a deleterious effect; Has not been previously published as pathogenic or benign to our knowledge